The following is an entry in ClinVar:

ClinVar aggregate classification (germline): Uncertain significance. Review status: criteria provided, multiple submitters, no conflicts (2 of 4 stars). 2 submissions from 2 submitters: Uncertain significance (2). Last evaluated 2026-06-12.

Conditions:
Inborn genetic diseases. Identifiers: MedGen C0950123, MeSH D030342.

gnomAD v4.1: 38 of 1,612,726 alleles (0.0024%); highest among the groups gnomAD compares: East Asian, 0.078%; no homozygotes.

Submissions (2):

Women's Health and Genetics/Laboratory Corporation of America, LabCorp
Classification: Uncertain significance. Last evaluated: 2026-06-12. Review status: criteria provided, single submitter. Criteria: LabCorp Variant Classification Summary - May 2015. Collection method: clinical testing. Allele origin: germline.
Comment: Variant summary: GHRHR c.826G>A (p.Asp276Asn) results in a conservative amino acid change in the encoded protein sequence. Algorithms developed to predict the effect of missense changes on protein structure and function are either unavailable or do not agree on the potential impact of this missense change. The variant allele was found at a frequency of 7.6e-05 in 251488 control chromosomes. This frequency is not significantly higher than estimated for disease-causing variants in GHRHR, allowing no conclusion about variant significance. To our knowledge, no occurrence of c.826G>A in individuals affected with GHRHR-related conditions and no experimental evidence demonstrating its impact on protein function have been reported. ClinVar contains an entry for this variant (Variation ID: 4263621). Based on the evidence outlined above, the variant was classified as uncertain significance.

Ambry Genetics
Classification: Uncertain significance for Inborn genetic diseases. Last evaluated: 2025-08-03. Review status: criteria provided, single submitter. Criteria: Ambry Variant Classification Scheme 2023. Collection method: clinical testing. Allele origin: germline.

NM_000823.4(GHRHR):c.826G>A (p.Asp276Asn)

Gene: GHRHR (growth hormone releasing hormone receptor; plus strand). Cytogenetic location: 7p14.3.
Variant type: single nucleotide variant.
Coding change: c.826G>A on transcript NM_000823.4 (MANE Select); coding-DNA position 826, G replaced by A.
Protein change: p.Asp276Asn; replaces aspartic acid 276 with asparagine.
Molecular consequence: missense variant.
Genome position (GRCh38, 1-based): chr7:30,974,984, G>A. VCF-style: chr7-30974984-G-A. GRCh37 (hg19) VCF-style: chr7-31014599-G-A.
Other names: short protein forms D276N.
Identifiers: ClinVar variation 4263621 (VCV004263621.2).